The following is an entry in ClinVar:

ClinVar aggregate classification (germline): Benign. Review status: criteria provided, multiple submitters, no conflicts (2 of 4 stars). 3 submissions from 2 submitters: Benign (3). Last evaluated 2019-11-25.

Conditions:
Charcot-Marie-Tooth disease type 4J (CMT4J). Also called: CHARCOT-MARIE-TOOTH DISEASE, AUTOSOMAL RECESSIVE, TYPE 4J; Charcot-Marie-Tooth Neuropathy Type 4J; CHARCOT-MARIE-TOOTH DISEASE, DEMYELINATING, TYPE 4J. Identifiers: Orphanet 139515, MedGen C1970011, MONDO:0012640, OMIM 611228.
Amyotrophic lateral sclerosis type 11 (ALS11). Identifiers: Orphanet 803, MedGen C2675491, MONDO:0012945, OMIM 612577.

Allele frequency attached by ClinVar (database versions not stated): gnomAD exomes 0.00229; gnomAD 0.02112 and 0.02248; 1000 Genomes Project 0.02276; TOPMed 0.02353; 1000 Genomes Project 30x 0.02436.
gnomAD v4.1: 4,720 of 797,918 alleles (0.59%); highest among the groups gnomAD compares: African/African-American, 7.3%; 146 homozygotes.

Submissions (3):

GeneDx
Classification: Benign. Last evaluated: 2019-11-25. Review status: criteria provided, single submitter. Criteria: GeneDx Variant Classification Process June 2021. Collection method: clinical testing. Allele origin: germline. Affected: yes.

Illumina Laboratory Services, Illumina
Classification: Benign for Charcot-Marie-Tooth disease type 4J. Last evaluated: 2018-01-12. Review status: criteria provided, single submitter. Criteria: ICSL Variant Classification Criteria 13 December 2019. Collection method: clinical testing. Allele origin: germline.
Comment: This variant was observed in the ICSL laboratory as part of a predisposition screen in an ostensibly healthy population. It had not been previously curated by ICSL or reported in the Human Gene Mutation Database (HGMD: prior to June 1st, 2018), and was therefore a candidate for classification through an automated scoring system. Utilizing variant allele frequency, disease prevalence and penetrance estimates, and inheritance mode, an automated score was calculated to assess if this variant is too frequent to cause the disease. Based on the score and internal cut-off values, a variant classified as benign is not then subjected to further curation. The score for this variant resulted in a classification of benign for this disease.

Illumina Laboratory Services, Illumina
Classification: Benign for Amyotrophic lateral sclerosis type 11. Last evaluated: 2018-01-12. Review status: criteria provided, single submitter. Criteria: ICSL Variant Classification Criteria 13 December 2019. Collection method: clinical testing. Allele origin: germline.
Comment: the same text as in the submission from Illumina Laboratory Services, Illumina above.

NM_014845.6(FIG4):c.-120C>T

Gene: FIG4 (FIG4 phosphoinositide 5-phosphatase; plus strand). Cytogenetic location: 6q21.
Variant type: single nucleotide variant.
Coding change: c.-120C>T on transcript NM_014845.6 (MANE Select); 120 bases upstream of the start codon, C replaced by T.
Molecular consequence: 5 prime UTR variant.
Genome position (GRCh38, 1-based): chr6:109,691,316, C>T. VCF-style: chr6-109691316-C-T. GRCh37 (hg19) VCF-style: chr6-110012519-C-T.
Identifiers: ClinVar variation 355030 (VCV000355030.7), dbSNP rs75045314, ClinGen allele CA10625630.